The following is an entry in ClinVar:

NM_001166108.2(PALLD):c.1472A>C (p.Gln491Pro)

Gene: PALLD (palladin, cytoskeletal associated protein; plus strand). Cytogenetic location: 4q32.3.
Variant type: single nucleotide variant.
Coding change: c.1472A>C on transcript NM_001166108.2 (MANE Select); coding-DNA position 1472, A replaced by C.
Protein change: p.Gln491Pro; replaces glutamine 491 with proline.
Molecular consequence: missense variant.
Genome position (GRCh38, 1-based): chr4:168,690,739, A>C. VCF-style: chr4-168690739-A-C. GRCh37 (hg19) VCF-style: chr4-169611890-A-C.
Other names: c.326A>C, p.Gln109Pro (NM_001166109.2); c.1472A>C, p.Gln491Pro (NM_016081.4); short protein forms Q109P, Q491P.
Identifiers: ClinVar variation 3226738 (VCV003226738.1), dbSNP rs1782540919, ClinGen allele CA358796149.

ClinVar aggregate classification (germline): Uncertain significance (1 of 4 stars; one submission).

Submission:

Ambry Genetics
Classification: Uncertain significance. Last evaluated: 2024-03-09. Review status: criteria provided, single submitter. Criteria: Ambry Variant Classification Scheme 2023. Collection method: clinical testing. Allele origin: germline.
Comment: The p.Q491P variant (also known as c.1472A>C), located in coding exon 6 of the PALLD gene, results from an A to C substitution at nucleotide position 1472. The glutamine at codon 491 is replaced by proline, an amino acid with similar properties. This amino acid position is conserved. In addition, this alteration is predicted to be deleterious by in silico analysis. Based on the available evidence, the clinical significance of this alteration remains unclear.